The following is an entry in ClinVar:

ClinVar aggregate classification (germline): Benign (1 of 4 stars; one submission).

Conditions:
Leigh syndrome (NULS). Also called: Leigh's necrotizing encephalopathy; Leigh's disease; Leigh's syndrome; LEIGH SYNDROME, NUCLEAR; Leigh Syndrome (mtDNA deletion); Leigh Disease. Identifiers: Orphanet 506, MedGen C2931891, MONDO:0009723, OMIM 256000.

Submission:

Wong Mito Lab, Molecular and Human Genetics, Baylor College of Medicine
Classification: Benign for Leigh syndrome. Last evaluated: 2019-10-17. Review status: criteria provided, single submitter. Criteria: Modified ACMG Guidelines (Unpublished). Collection method: clinical testing. Allele origin: germline.
Comment: The NC_012920.1:m.15300T>C (YP_003024038.1:p.Leu185Ser) variant in MTCYB gene is interpretated to be a Benign variant based on the modified ACMG guidelines (unpublished). This variant meets the following evidence codes: BS1, BS2, BP4

NC_012920.1(MT-CYB):m.15300T>C

Gene: MT-CYB (mitochondrially encoded cytochrome b; plus strand).
Variant type: single nucleotide variant.
Genome position: chrM-15300-T-C.
Identifiers: ClinVar variation 693861 (VCV000693861.1), dbSNP rs1556424556, ClinGen allele CA913173496.